The following is an entry in ClinVar:

ClinVar aggregate classification (germline): Uncertain significance (0 of 4 stars; one submission).

Conditions:
GARS1-related disorder. Also called: GARS1-related condition.

Submission:

PreventionGenetics, part of Exact Sciences
Classification: Uncertain significance for GARS1-related condition. Last evaluated: 2024-03-30. Review status: no assertion criteria provided. Collection method: clinical testing. Allele origin: germline.
Comment: The GARS1 c.733C>T variant is predicted to result in premature protein termination (p.Gln245*). To our knowledge, this variant has not been reported in the literature or in a large population database, indicating this variant is rare. This variant is interpreted as no interpretation set.

NM_002047.4(GARS1):c.733C>T (p.Gln245Ter)

Gene: GARS1 (glycyl-tRNA synthetase 1; plus strand). Cytogenetic location: 7p14.3.
Variant type: single nucleotide variant.
Coding change: c.733C>T on transcript NM_002047.4 (MANE Select); coding-DNA position 733, C replaced by T.
Protein change: p.Gln245Ter; replaces glutamine 245 with a stop codon.
Molecular consequence: nonsense.
Genome position (GRCh38, 1-based): chr7:30,603,570, C>T. VCF-style: chr7-30603570-C-T. GRCh37 (hg19) VCF-style: chr7-30643186-C-T.
Other names: c.571C>T, p.Gln191Ter (NM_001316772.1); short protein forms Q191*, Q245*.
Identifiers: ClinVar variation 3349027 (VCV003349027.1).
Genomic context (GRCh38, chr7:30,603,570, plus strand): 5'-TTGATGTCTGATAAGAAGTGTTCTGTCGAAAAGAAATCAGAAATGGAAAGTGTTTTGGCC[C>T]AGGTGAGTACTCTAGAGATGTTATCAGAGTAACCTAGGTGGTCGCTGTCCTTCTTTCAGT-3'